The following is an entry in ClinVar:

NM_004006.3(DMD):c.1444G>T (p.Asp482Tyr)

Gene: DMD (dystrophin; minus strand). Cytogenetic location: Xp21.1.
Variant type: single nucleotide variant.
Coding change: c.1444G>T on transcript NM_004006.3 (MANE Select); coding-DNA position 1444, G replaced by T.
Protein change: p.Asp482Tyr; replaces aspartic acid 482 with tyrosine.
Molecular consequence: missense variant.
Genome position (GRCh38, 1-based): chrX:32,614,341, C>A on the plus strand (G>T on the coding strand, the complement: DMD is on the minus strand). VCF-style: chrX-32614341-C-A. GRCh37 (hg19) VCF-style: chrX-32632458-C-A.
Other names: c.1420G>T, p.Asp474Tyr (NM_000109.4); c.1432G>T, p.Asp478Tyr (NM_004009.3); c.1075G>T, p.Asp359Tyr (NM_004010.3); short protein forms D359Y, D478Y, D482Y, D474Y.
Identifiers: ClinVar variation 3013655 (VCV003013655.2), dbSNP rs777765815, ClinGen allele CA10379859.

ClinVar aggregate classification (germline): Uncertain significance (1 of 4 stars; one submission).

Conditions:
Duchenne muscular dystrophy (DMD). Also called: MUSCULAR DYSTROPHY, PSEUDOHYPERTROPHIC PROGRESSIVE, DUCHENNE TYPE; Duchenne Muscular Dystrophy (DMD). Identifiers: Orphanet 98896, MedGen C0013264, MONDO:0010679, OMIM 310200.

Allele frequency attached by ClinVar (database versions not stated): ExAC 0.00001; gnomAD 0.00001; 1000 Genomes Project 30x 0.00021; 1000 Genomes Project 0.00026.
gnomAD v4.1: 1 of 1,205,950 alleles (0.000083%); highest among the groups gnomAD compares: African/African-American, 0.0018%; no homozygotes.

Submission:

Labcorp Genetics (formerly Invitae), Labcorp
Classification: Uncertain significance for Duchenne muscular dystrophy. Last evaluated: 2023-09-10. Review status: criteria provided, single submitter. Criteria: Invitae Variant Classification Sherloc (09022015). Collection method: clinical testing. Allele origin: germline.
Comment: In summary, the available evidence is currently insufficient to determine the role of this variant in disease. Therefore, it has been classified as a Variant of Uncertain Significance. Advanced modeling of protein sequence and biophysical properties (such as structural, functional, and spatial information, amino acid conservation, physicochemical variation, residue mobility, and thermodynamic stability) performed at Invitae indicates that this missense variant is not expected to disrupt DMD protein function. This variant has not been reported in the literature in individuals affected with DMD-related conditions. The frequency data for this variant in the population databases is considered unreliable, as metrics indicate poor data quality at this position in the gnomAD database. This sequence change replaces aspartic acid, which is acidic and polar, with tyrosine, which is neutral and polar, at codon 482 of the DMD protein (p.Asp482Tyr).